The following is an entry in ClinVar:

NM_016599.5(MYOZ2):c.181C>G (p.Arg61Gly)

Gene: MYOZ2 (myozenin 2; plus strand). Cytogenetic location: 4q26.
Variant type: single nucleotide variant.
Coding change: c.181C>G on transcript NM_016599.5 (MANE Select); coding-DNA position 181, C replaced by G.
Protein change: p.Arg61Gly; replaces arginine 61 with glycine.
Molecular consequence: missense variant.
Genome position (GRCh38, 1-based): chr4:119,150,976, C>G. VCF-style: chr4-119150976-C-G. GRCh37 (hg19) VCF-style: chr4-120072131-C-G.
Other names: short protein forms R61G.
Identifiers: ClinVar variation 454461 (VCV000454461.9), dbSNP rs755233280, ClinGen allele CA3058555.

ClinVar aggregate classification (germline): Uncertain significance. Review status: criteria provided, multiple submitters, no conflicts (2 of 4 stars). 2 submissions from 2 submitters: Uncertain significance (2). Last evaluated 2017-06-08.

Conditions:
Hypertrophic cardiomyopathy. Also called: HYPERTROPHIC MYOCARDIOPATHY. Identifiers: Orphanet 217569, MedGen C0007194, MeSH D002312, MONDO:0005045, HP:0001639.
Cardiovascular phenotype. Identifiers: MedGen CN230736.

gnomAD v4.1: 1 of 1,613,014 alleles (0.000062%); highest among the groups gnomAD compares: Non-Finnish European, 0.000085%; no homozygotes.

Submissions (2):

Ambry Genetics
Classification: Uncertain significance for Cardiovascular phenotype. Last evaluated: 2017-06-08. Review status: criteria provided, single submitter. Criteria: Ambry Variant Classification Scheme 2023. Collection method: clinical testing. Allele origin: germline.
Comment: The p.R61G variant (also known as c.181C>G), located in coding exon 2 of the MYOZ2 gene, results from a C to G substitution at nucleotide position 181. The arginine at codon 61 is replaced by glycine, an amino acid with dissimilar properties. This amino acid position is highly conserved in available vertebrate species. In addition, this alteration is predicted to be deleterious by in silico analysis. Since supporting evidence is limited at this time, the clinical significance of this alteration remains unclear.

Labcorp Genetics (formerly Invitae), Labcorp
Classification: Uncertain significance for Hypertrophic cardiomyopathy. Last evaluated: 2017-03-05. Review status: criteria provided, single submitter. Criteria: Invitae Variant Classification Sherloc (09022015). Collection method: clinical testing. Allele origin: germline.
Comment: In summary, this variant is a rare missense change with uncertain impact on protein function. There is no indication that it causes disease, but the available evidence is currently insufficient to prove that conclusively. Therefore, it has been classified as a Variant of Uncertain Significance. This variant is present in population databases (rs755233280, ExAC 0.001%) but has not been reported in the literature in individuals with a MYOZ2-related disease. Algorithms developed to predict the effect of missense changes on protein structure and function (SIFT, PolyPhen-2, Align-GVGD) all suggest that this variant is likely to be disruptive, but these predictions have not been confirmed by published functional studies. This sequence change replaces arginine with glycine at codon 61 of the MYOZ2 protein (p.Arg61Gly). The arginine residue is highly conserved and there is a moderate physicochemical difference between arginine and glycine.